The following is an entry in ClinVar:

ClinVar aggregate classification (germline): Uncertain significance (1 of 4 stars; one submission).

Conditions:
SEMA3G-related disorder. Also called: SEMA3G-related condition.

Submission:

PreventionGenetics, part of Exact Sciences
Classification: Uncertain significance for SEMA3G-related condition. Last evaluated: 2026-03-04. Review status: criteria provided, single submitter. Criteria: ACMG Guidelines, 2015. Collection method: clinical testing. Allele origin: germline.
Comment: The SEMA3G c.181A>G variant is predicted to result in the amino acid substitution p.Met61Val. To our knowledge, this variant has not been reported in the literature or in a large population database (gnomAD), indicating this variant is rare. At this time, the clinical significance of this variant is uncertain due to the absence of conclusive functional and genetic evidence.

NM_020163.3(SEMA3G):c.181A>G (p.Met61Val)

Gene: SEMA3G (semaphorin 3G; minus strand). Cytogenetic location: 3p21.1.
Variant type: single nucleotide variant.
Coding change: c.181A>G on transcript NM_020163.3 (MANE Select); coding-DNA position 181, A replaced by G.
Protein change: p.Met61Val; replaces methionine 61 with valine.
Molecular consequence: missense variant.
Genome position (GRCh38, 1-based): chr3:52,442,842, T>C on the plus strand (A>G on the coding strand, the complement: SEMA3G is on the minus strand). VCF-style: chr3-52442842-T-C. GRCh37 (hg19) VCF-style: chr3-52476858-T-C.
Other names: short protein forms M61V.
Identifiers: ClinVar variation 4995909 (VCV004995909.1).